The following is an entry in ClinVar:

NM_000059.4(BRCA2):c.826_830del (p.Lys275_Val276insTer)

Gene: BRCA2 (BRCA2 DNA repair associated; plus strand). Cytogenetic location: 13q13.1.
Variant type: Deletion.
Coding change: c.826_830del on transcript NM_000059.4 (MANE Select); coding-DNA positions 826 to 830, 5 bases deleted (GTAAA; older notation c.826_830delGTAAA).
Protein change: p.Lys275_Val276insTer.
Molecular consequence: nonsense.
Genome position (GRCh38, 1-based): chr13:32,332,304-32,332,308, GTAAA deleted; deleting any 5 consecutive bases within chr13:32,332,300-32,332,308 gives the same sequence; the c. name uses the placement nearest the transcript's 3' end. VCF-style (leftmost placement, unchanged base first): chr13-32332299-TTAAAG-T. GRCh37 (hg19) VCF-style: chr13-32906436-TTAAAG-T.
Other names: 1054del5; c.826_830delGTAAA (NM_000059.3).
Identifiers: ClinVar variation 38148 (VCV000038148.6), dbSNP rs397507400, ClinGen allele CA025546.

ClinVar aggregate classification (germline): Pathogenic. Review status: reviewed by expert panel (3 of 4 stars). 4 submissions from 4 submitters: Pathogenic (1). 3 of the submissions do not count toward it. Last evaluated 2016-09-08.

Conditions:
Hereditary breast ovarian cancer syndrome. Also called: Hereditary breast and ovarian cancer; Hereditary breast and ovarian cancer syndrome (HBOC); Hereditary breast and/or ovarian cancer syndrome; Breast and ovarian cancer; Hereditary breast and ovarian cancer syndrome; BRCA1- and BRCA2-Associated Hereditary Breast and Ovarian Cancer. Identifiers: Orphanet 145, MedGen C0677776, MeSH D061325, MONDO:0003582. Disease mechanism: loss of function.
Breast-ovarian cancer, familial, susceptibility to, 2 (BROVCA2). Also called: BRCA2 Hereditary Breast and Ovarian Cancer. Identifiers: Orphanet 145, MedGen C2675520, MONDO:0012933, OMIM 612555. Disease mechanism: loss of function.

Submissions (4):

Evidence-based Network for the Interpretation of Germline Mutant Alleles (ENIGMA)
Classification: Pathogenic for Breast-ovarian cancer, familial, susceptibility to, 2. Last evaluated: 2016-09-08. Review status: reviewed by expert panel. Criteria: ENIGMA BRCA1/2 Classification Criteria (2015). Collection method: curation. Allele origin: germline.
Comment: Variant allele predicted to encode a truncated non-functional protein.

Labcorp Genetics (formerly Invitae), Labcorp
Classification: Pathogenic for Hereditary breast ovarian cancer syndrome. Last evaluated: 2024-09-05. Review status: criteria provided, single submitter. Criteria: Invitae Variant Classification Sherloc (09022015). Collection method: clinical testing. Allele origin: germline. Not counted in ClinVar's aggregate classification.
Comment: This sequence change creates a premature translational stop signal (p.Val276*) in the BRCA2 gene. It is expected to result in an absent or disrupted protein product. Loss-of-function variants in BRCA2 are known to be pathogenic (PMID: 20104584). This variant is not present in population databases (gnomAD no frequency). This variant has not been reported in the literature in individuals affected with BRCA2-related conditions. ClinVar contains an entry for this variant (Variation ID: 38148). For these reasons, this variant has been classified as Pathogenic.

Research Molecular Genetics Laboratory, Women's College Hospital, University of Toronto
Classification: Pathogenic for Hereditary breast ovarian cancer syndrome. Last evaluated: 2014-01-31. Review status: no assertion criteria provided. Collection method: research. Allele origin: germline. Affected: yes. Study: The Canadian Open Genetics Repository (COGR). Not counted in ClinVar's aggregate classification.

Sharing Clinical Reports Project (SCRP)
Classification: Pathogenic for Breast-ovarian cancer, familial 2. Last evaluated: 2008-12-10. Review status: no assertion criteria provided. Collection method: clinical testing. Allele origin: germline. Not counted in ClinVar's aggregate classification.

Literature cited by the submitters: PubMed 20104584 (cited by Labcorp Genetics (formerly Invitae), Labcorp).